The following is an entry in ClinVar:

ClinVar aggregate classification (germline): Uncertain significance. Review status: criteria provided, multiple submitters, no conflicts (2 of 4 stars). 2 submissions from 2 submitters: Uncertain significance (2). Last evaluated 2025-01-05.

Conditions:
Tietz syndrome (TADS). Also called: HYPOPIGMENTATION/DEAFNESS OF TIETZ; TIETZ ALBINISM-DEAFNESS SYNDROME; ALBINISM-DEAFNESS OF TIETZ. Identifiers: Orphanet 42665, MedGen C0391816, MONDO:0007077, OMIM 103500.
Waardenburg syndrome type 2A (WS2A). Also called: WAARDENBURG SYNDROME WITHOUT DYSTOPIA CANTHORUM. Identifiers: Orphanet 3440, MedGen C1860339, MONDO:0008671, OMIM 193510.
Melanoma, cutaneous malignant, susceptibility to, 8. Also called: MELANOMA AND RENAL CELL CARCINOMA, SUSCEPTIBILITY TO; Cutaneous malignant melanoma 8. Identifiers: Orphanet 293822, MedGen C3152204, MONDO:0013759, OMIM 614456.
Hereditary cancer-predisposing syndrome. Also called: Hereditary neoplastic syndrome; Tumor predisposition; Hereditary Cancer Syndrome; Neoplastic Syndromes, Hereditary. Identifiers: Orphanet 140162, MedGen C0027672, MeSH D009386, MONDO:0015356.

Submissions (2):

Labcorp Genetics (formerly Invitae), Labcorp
Classification: Uncertain significance for Melanoma, cutaneous malignant, susceptibility to, 8; Waardenburg syndrome type 2A; Tietz syndrome. Last evaluated: 2025-01-05. Review status: criteria provided, single submitter. Criteria: Invitae Variant Classification Sherloc (09022015). Collection method: clinical testing. Allele origin: germline.
Comment: This sequence change replaces proline, which is neutral and non-polar, with serine, which is neutral and polar, at codon 191 of the MITF protein (p.Pro191Ser). This variant is not present in population databases (gnomAD no frequency). This variant has not been reported in the literature in individuals affected with MITF-related conditions. An algorithm developed to predict the effect of missense changes on protein structure and function (PolyPhen-2) suggests that this variant is likely to be disruptive. In summary, the available evidence is currently insufficient to determine the role of this variant in disease. Therefore, it has been classified as a Variant of Uncertain Significance.

Ambry Genetics
Classification: Uncertain significance for Hereditary cancer-predisposing syndrome. Last evaluated: 2024-12-16. Review status: criteria provided, single submitter. Criteria: Ambry Variant Classification Scheme 2023. Collection method: clinical testing. Allele origin: germline.
Comment: The p.P191S variant (also known as c.571C>T), located in coding exon 6 of the MITF gene, results from a C to T substitution at nucleotide position 571. The proline at codon 191 is replaced by serine, an amino acid with similar properties. This amino acid position is conserved. In addition, this alteration is predicted to be tolerated by in silico analysis. Based on the available evidence, the clinical significance of this variant remains unclear.

NM_001354604.2(MITF):c.892C>T (p.Pro298Ser)

Gene: MITF (melanocyte inducing transcription factor; plus strand). Cytogenetic location: 3p13.
Variant type: single nucleotide variant.
Coding change: c.892C>T on transcript NM_001354604.2 (MANE Select); coding-DNA position 892, C replaced by T.
Protein change: p.Pro298Ser; replaces proline 298 with serine.
Molecular consequence: missense variant. On other transcripts: intron variant (9).
Genome position (GRCh38, 1-based): chr3:69,951,823, C>T. VCF-style: chr3-69951823-C-T. GRCh37 (hg19) VCF-style: chr3-70000974-C-T.
Other names: c.571C>T, p.Pro191Ser (NM_000248.4); c.889C>T, p.Pro297Ser (NM_001354605.2); c.830-7C>T (NM_001354607.2); c.725-7C>T (NM_001354608.2, NM_001184967.2); c.881-7C>T (NM_198159.3); c.878-7C>T (NM_001354606.2, NM_006722.3); c.833-7C>T (NM_198177.3); c.560-7C>T (NM_198158.3); and 1 more; short protein forms P191S, P297S, P298S.
Identifiers: ClinVar variation 3749859 (VCV003749859.3).